The following is an entry in ClinVar:

ClinVar aggregate classification (germline): Likely benign (1 of 4 stars; one submission).

Submission:

CeGaT Center for Human Genetics Tuebingen
Classification: Likely benign. Last evaluated: 2022-11-01. Review status: criteria provided, single submitter. Criteria: CeGaT Center For Human Genetics Tuebingen Variant Classification Criteria Version 2. Collection method: clinical testing. Allele origin: germline. Affected: yes. Observed: 1 variant allele.
Comment: HIVEP2: PM2:Supporting, BP4, BP7

NM_006734.4(HIVEP2):c.2823T>C (p.Arg941=)

Gene: HIVEP2 (HIVEP zinc finger 2; minus strand). Cytogenetic location: 6q24.2.
Variant type: single nucleotide variant.
Coding change: c.2823T>C on transcript NM_006734.4 (MANE Select); coding-DNA position 2823, T replaced by C.
Protein change: p.Arg941=; no amino-acid change (arginine 941 retained).
Molecular consequence: synonymous variant.
Genome position (GRCh38, 1-based): chr6:142,771,916, A>G on the plus strand (T>C on the coding strand, the complement: HIVEP2 is on the minus strand). VCF-style: chr6-142771916-A-G. GRCh37 (hg19) VCF-style: chr6-143093053-A-G.
Identifiers: ClinVar variation 2656955 (VCV002656955.24), dbSNP rs2482836285, ClinGen allele CA452715496.